The following is an entry in ClinVar:

ClinVar aggregate classification (germline): Uncertain significance (1 of 4 stars; one submission).

Conditions:
Early-infantile DEE. Also called: Early infantile epileptic encephalopathy; Early infantile epileptic encephalopathy with suppression bursts; Ohtahara syndrome. Identifiers: Orphanet 1934, MedGen C0393706, MONDO:0800491.

Submission:

Labcorp Genetics (formerly Invitae), Labcorp
Classification: Uncertain significance for Early-infantile DEE. Last evaluated: 2025-08-22. Review status: criteria provided, single submitter. Criteria: Invitae Variant Classification Sherloc (09022015). Collection method: clinical testing. Allele origin: germline.
Comment: This sequence change replaces arginine, which is basic and polar, with proline, which is neutral and non-polar, at codon 611 of the SCN8A protein (p.Arg611Pro). This variant is not present in population databases (gnomAD no frequency). This variant has not been reported in the literature in individuals affected with SCN8A-related conditions. ClinVar contains an entry for this variant (Variation ID: 1486283). Invitae Evidence Modeling of protein sequence and biophysical properties (such as structural, functional, and spatial information, amino acid conservation, physicochemical variation, residue mobility, and thermodynamic stability) has been performed for this missense variant. However, the output from this modeling did not meet the statistical confidence thresholds required to predict the impact of this variant on SCN8A protein function. In summary, the available evidence is currently insufficient to determine the role of this variant in disease. Therefore, it has been classified as a Variant of Uncertain Significance.

NM_001330260.2(SCN8A):c.1832G>C (p.Arg611Pro)

Gene: SCN8A (sodium voltage-gated channel alpha subunit 8; plus strand). Cytogenetic location: 12q13.13.
Variant type: single nucleotide variant.
Coding change: c.1832G>C on transcript NM_001330260.2 (MANE Select); coding-DNA position 1832, G replaced by C.
Protein change: p.Arg611Pro; replaces arginine 611 with proline.
Molecular consequence: missense variant.
Genome position (GRCh38, 1-based): chr12:51,721,742, G>C. VCF-style: chr12-51721742-G-C. GRCh37 (hg19) VCF-style: chr12-52115526-G-C.
Other names: c.1832G>C, p.Arg611Pro (NM_001177984.3, NM_001369788.1, NM_014191.4); short protein forms R611P.
Identifiers: ClinVar variation 1486283 (VCV001486283.7), dbSNP rs866054004, ClinGen allele CA385229680.